The following is an entry in ClinVar:

ClinVar aggregate classification (germline): Pathogenic/Likely pathogenic. Review status: criteria provided, multiple submitters, no conflicts (2 of 4 stars). 5 submissions from 5 submitters: Pathogenic (3); Likely pathogenic (2). Last evaluated 2025-08-07.

Conditions:
Type 2 diabetes mellitus. Also called: Type II diabetes mellitus. Identifiers: MedGen C0011860, MeSH D003924, MONDO:0005148, OMIM 125853, HP:0005978.
Hyperinsulinemic hypoglycemia, familial, 1 (HHF1). Also called: Persistent hyperinsulinemic hypoglycemia of infancy; Persistent Hyperinsulinemia Hypoglycemia of Infancy; HYPERINSULINISM, FAMILIAL, WITH PANCREATIC NESIDIOBLASTOSIS; HYPOGLYCEMIA, HYPERINSULINEMIC, OF INFANCY; NESIDIOBLASTOSIS OF PANCREAS. Identifiers: Orphanet 276575, Orphanet 276598, MedGen C2931832, MONDO:0009734, OMIM 256450.
Hereditary hyperinsulinism.

Submissions (5):

Myriad Genetics, Inc.
Classification: Pathogenic for Hyperinsulinemic hypoglycemia, familial, 1. Last evaluated: 2025-08-07. Review status: criteria provided, single submitter. Criteria: Myriad Autosomal Dominant, Autosomal Recessive and X-Linked Classification Criteria (2023). Collection method: clinical testing. Allele origin: unknown.
Comment: NM_000352.3(ABCC8):c.61delG(V21Sfs*57) is a frameshift variant classified as pathogenic in the context of familial hyperinsulinism, ABCC8-related. V21Sfs*57 has been observed in a case with relevant disease (PMID: 25117148). Relevant functional assessments of this variant are not available in the literature. V21Sfs*57 has not been observed in referenced population frequency databases. In summary, NM_000352.3(ABCC8):c.61delG(V21Sfs*57) is a frameshift variant in a gene where loss of function is a known mechanism of disease, is predicted to disrupt protein function, and has been observed more frequently in cases with the relevant disease than in healthy populations. Please note: this variant was assessed in the context of healthy population screening.

Natera, Inc.
Classification: Pathogenic for Hereditary hyperinsulinism. Last evaluated: 2024-08-13. Review status: criteria provided, single submitter. Criteria: Natera Variant Classification Schema (03/2026). Collection method: clinical testing. Allele origin: germline.
Comment: The c.61delG variant in ABCC8 is a frameshift variant predicted to shift the reading frame beginning at codon 21 and leads to a stop codon 57 codons downstream. This variant is expected to result in nonsense mediated decay, truncation, or a dysfunctional protein product. This variant is rare in the general population with a frequency below the threshold expected for the associated phenotype(s). This variant has been observed in one or more individuals affected with the associated recessive disease, as either homozygous or compound heterozygous with a second variant (PMID: 34304300). Given the available evidence, this variant is classified as Pathogenic.

Baylor Genetics
Classification: Pathogenic for Type 2 diabetes mellitus. Last evaluated: 2024-03-28. Review status: criteria provided, single submitter. Criteria: ACMG Guidelines, 2015. Collection method: clinical testing. Allele origin: unknown.

Molecular Genetics, Madras Diabetes Research Foundation
Classification: Likely pathogenic for Hyperinsulinemic hypoglycemia, familial, 1. Review status: criteria provided, single submitter. Criteria: ACMG Guidelines, 2015. Collection method: clinical testing. Allele origin: germline. Affected: yes.

Neuberg Centre For Genomic Medicine, NCGM
Classification: Likely pathogenic for Hyperinsulinemic hypoglycemia, familial, 1. Review status: criteria provided, single submitter. Criteria: ACMG Guidelines, 2015. Collection method: clinical testing. Allele origin: germline. Affected: yes.

Literature cited by the submitters: PubMed 25117148 (cited by Myriad Genetics, Inc. and Molecular Genetics, Madras Diabetes Research Foundation); PubMed 34304300 (cited by Natera, Inc.).

NM_000352.6(ABCC8):c.61del (p.Val21fs)

Gene: ABCC8 (ATP binding cassette subfamily C member 8; minus strand). Cytogenetic location: 11p15.1.
Variant type: Deletion.
Coding change: c.61del on transcript NM_000352.6 (MANE Select); coding-DNA position 61, one base deleted (G; older notation c.61delG).
Protein change: p.Val21fs; shifts the reading frame from valine 21.
Molecular consequence: frameshift variant. On other transcripts: non-coding transcript variant (1).
Genome position (GRCh38, 1-based): chr11:17,476,716, C deleted on the plus strand (G on the coding strand, the reverse complement: ABCC8 is on the minus strand); the first of 5 consecutive C bases (chr11:17,476,716-17,476,720); deleting any one gives the same sequence. VCF-style (leftmost placement, unchanged base first): chr11-17476715-AC-A. GRCh37 (hg19) VCF-style: chr11-17498262-AC-A.
Other names: c.61delG (NM_000352.4, NM_000352.6); c.61del, p.Val21fs (NM_001287174.3, NM_001351295.2, NM_001351296.2 and 1 more transcripts); short protein forms V21fs.
Identifiers: ClinVar variation 1526015 (VCV001526015.5), dbSNP rs2133737961, ClinGen allele CA2573146096.